The following is an entry in ClinVar:

ClinVar aggregate classification (germline): Uncertain significance (1 of 4 stars; one submission).

Conditions:
Hereditary cancer-predisposing syndrome. Also called: Neoplastic Syndromes, Hereditary; Tumor predisposition; Hereditary neoplastic syndrome; Hereditary Cancer Syndrome. Identifiers: Orphanet 140162, MedGen C0027672, MeSH D009386, MONDO:0015356.

Submission:

Ambry Genetics
Classification: Uncertain significance for Hereditary cancer-predisposing syndrome. Last evaluated: 2026-08-31. Review status: criteria provided, single submitter. Criteria: Ambry Variant Classification Scheme 2023. Collection method: clinical testing. Allele origin: germline.
Comment: The c.6252delAins23 variant, located in coding exon 45 of the POLE gene, results from the deletion of one nucleotide and insertion of 23 nucleotides causing a translational frameshift with a predicted alternate stop codon (p.S2093Dfs*14). This alteration is expected to result in loss of function by premature protein truncation or nonsense-mediated mRNA decay. Although biallelic loss of function of POLE has been associated with autosomal recessive POLE deficiency, haploinsufficiency of POLE has not been established as a mechanism of disease for POLE-related polymerase proofreading-associated polyposis (PPAP) and POLE-related CMMRD-like syndrome. Based on the supporting evidence, this variant is expected to be causative of POLE deficiency when present along with a second pathogenic variant on the other allele; however, its clinical significance for PPAP and POLE-related CMMRD-like syndrome is unclear.

NM_006231.4(POLE):c.6252delinsGGAGATGTTTCCTGTCCTCCCCG (p.Ser2093fs)

Gene: POLE (DNA polymerase epsilon, catalytic subunit; minus strand). Cytogenetic location: 12q24.33.
Variant type: Indel.
Coding change: c.6252delinsGGAGATGTTTCCTGTCCTCCCCG on transcript NM_006231.4 (MANE Select); coding-DNA position 6252, A replaced by GGAGATGTTTCCTGTCCTCCCCG.
Protein change: p.Ser2093fs; shifts the reading frame from serine 2093.
Molecular consequence: frameshift variant.
Genome position (GRCh38, 1-based): chr12:132,632,393, T replaced by CGGGGAGGACAGGAAACATCTCC on the plus strand (A replaced by GGAGATGTTTCCTGTCCTCCCCG on the coding strand, the reverse complement: POLE is on the minus strand). VCF-style: chr12-132632393-T-CGGGGAGGACAGGAAACATCTCC. GRCh37 (hg19) VCF-style: chr12-133208979-T-CGGGGAGGACAGGAAACATCTCC.
Other names: short protein forms S2093fs.
Identifiers: ClinVar variation 5027123 (VCV005027123.1).